The following is an entry in ClinVar:

NM_005591.3:c.1280_1281insALU

Gene: MRE11 (MRE11 double strand break repair nuclease; minus strand).
Variant type: Insertion.
Identifiers: ClinVar variation 3224821 (VCV003224821.2).

ClinVar aggregate classification (germline): Likely pathogenic (1 of 4 stars; one submission).

Conditions:
Hereditary cancer-predisposing syndrome. Also called: Tumor predisposition; Hereditary neoplastic syndrome; Hereditary Cancer Syndrome; Neoplastic Syndromes, Hereditary. Identifiers: Orphanet 140162, MedGen C0027672, MeSH D009386, MONDO:0015356.

Submission:

Ambry Genetics
Classification: Likely pathogenic for Hereditary cancer-predisposing syndrome. Last evaluated: 2025-03-14. Review status: criteria provided, single submitter. Criteria: Ambry Variant Classification Scheme 2023. Collection method: clinical testing. Allele origin: germline.
Comment: The c.1280_1281insAlu likely pathogenic variant results from the insertion of an Alu element between nucleotides 1280 and 1281 in coding exon 11 of the MRE11A gene. Mobile element insertions contribute to pathogenicity by either disrupting the coding sequence or inducing aberrant splicing (Belancio VP et al. Semin. Cancer Biol. 2010 Aug;20:200-10; Deininger P et al. Genome Biol. 2011 Dec;12:236; van der Klift HM Hum Mutat. 2012 Jul;33(7):1051-5). Based on the majority of available evidence to date, this variant is likely to be pathogenic.